The following is an entry in ClinVar:

ClinVar aggregate classification (germline): Benign. Review status: criteria provided, multiple submitters, no conflicts (2 of 4 stars). 5 submissions from 5 submitters: Benign (4). 1 of the submissions does not count toward it. Last evaluated 2026-02-02.

Conditions:
Hereditary acrodermatitis enteropathica (AEZ). Also called: Acrodermatitis enteropathica. Identifiers: Orphanet 37, MedGen C0221036, MONDO:0008713, OMIM 201100.

Allele frequency attached by ClinVar (database versions not stated): ExAC 0.01780; gnomAD exomes 0.02200; ESP Exome Variant Server 0.00101; TOPMed 0.00953; 1000 Genomes Project 0.02216; 1000 Genomes Project 30x 0.02249.
gnomAD v4.1: 7,456 of 1,579,852 alleles (0.47%); highest among the groups gnomAD compares: Admixed American, 11%; 400 homozygotes.

Submissions (5):

Labcorp Genetics (formerly Invitae), Labcorp
Classification: Benign. Last evaluated: 2026-02-02. Review status: criteria provided, single submitter. Criteria: Invitae Variant Classification Sherloc (09022015). Collection method: clinical testing. Allele origin: germline.

Mayo Clinic Laboratories, Mayo Clinic
Classification: Benign. Last evaluated: 2022-09-06. Review status: criteria provided, single submitter. Criteria: ACMG Guidelines, 2015. Collection method: clinical testing. Allele origin: germline. Observed: 3 variant alleles.

Illumina Laboratory Services, Illumina
Classification: Benign for Hereditary acrodermatitis enteropathica. Last evaluated: 2018-01-13. Review status: criteria provided, single submitter. Criteria: ICSL Variant Classification Criteria 13 December 2019. Collection method: clinical testing. Allele origin: germline.
Comment: This variant was observed in the ICSL laboratory as part of a predisposition screen in an ostensibly healthy population. It had not been previously curated by ICSL or reported in the Human Gene Mutation Database (HGMD: prior to June 1st, 2018), and was therefore a candidate for classification through an automated scoring system. Utilizing variant allele frequency, disease prevalence and penetrance estimates, and inheritance mode, an automated score was calculated to assess if this variant is too frequent to cause the disease. Based on the score and internal cut-off values, a variant classified as benign is not then subjected to further curation. The score for this variant resulted in a classification of benign for this disease.

Breakthrough Genomics
Classification: Benign. Review status: criteria provided, single submitter. Criteria: ACMG Guidelines, 2015. Collection method: not provided. Allele origin: germline. Inheritance: Autosomal recessive inheritance. Affected: yes.

Natera, Inc.
Classification: Benign for Acrodermatitis enteropathica. Last evaluated: 2019-11-27. Review status: no assertion criteria provided. Collection method: clinical testing. Allele origin: germline. Not counted in ClinVar's aggregate classification.

NM_130849.4(SLC39A4):c.276C>T (p.Tyr92=)

Gene: SLC39A4 (solute carrier family 39 member 4; minus strand). Cytogenetic location: 8q24.3.
Variant type: single nucleotide variant.
Coding change: c.276C>T on transcript NM_130849.4 (MANE Select); coding-DNA position 276, C replaced by T.
Protein change: p.Tyr92=; no amino-acid change (tyrosine 92 retained).
Molecular consequence: synonymous variant.
Genome position (GRCh38, 1-based): chr8:144,416,008, G>A on the plus strand (C>T on the coding strand, the complement: SLC39A4 is on the minus strand). VCF-style: chr8-144416008-G-A. GRCh37 (hg19) VCF-style: chr8-145641392-G-A.
Other names: p.Tyr92=; c.201C>T, p.Tyr67= (NM_017767.3).
Identifiers: ClinVar variation 362261 (VCV000362261.18), dbSNP rs4355816, ClinGen allele CA4941754.